The following is an entry in ClinVar:

ClinVar aggregate classification (germline): Uncertain significance (1 of 4 stars; one submission).

Conditions:
DCTN1-related disorder. Also called: DCTN1-related condition.

Submission:

PreventionGenetics, part of Exact Sciences
Classification: Uncertain significance for DCTN1-related condition. Last evaluated: 2025-01-06. Review status: criteria provided, single submitter. Criteria: ACMG Guidelines, 2015. Collection method: clinical testing. Allele origin: germline.
Comment: The DCTN1 c.2198T>C variant is predicted to result in the amino acid substitution p.Ile733Thr. To our knowledge, this variant has not been reported in the literature or in a large population database (gnomAD), indicating this variant is rare. At this time, the clinical significance of this variant is uncertain due to the absence of conclusive functional and genetic evidence.

NM_004082.5(DCTN1):c.2198T>C (p.Ile733Thr)

Gene: DCTN1 (dynactin subunit 1; minus strand). Cytogenetic location: 2p13.1.
Variant type: single nucleotide variant.
Coding change: c.2198T>C on transcript NM_004082.5 (MANE Select); coding-DNA position 2198, T replaced by C.
Protein change: p.Ile733Thr; replaces isoleucine 733 with threonine.
Molecular consequence: missense variant. On other transcripts: non-coding transcript variant (1).
Genome position (GRCh38, 1-based): chr2:74,367,407, A>G on the plus strand (T>C on the coding strand, the complement: DCTN1 is on the minus strand). VCF-style: chr2-74367407-A-G. GRCh37 (hg19) VCF-style: chr2-74594534-A-G.
Other names: c.2138T>C, p.Ile713Thr (NM_001135040.3); c.1796T>C, p.Ile599Thr (NM_001135041.3, NM_023019.4); c.2087T>C, p.Ile696Thr (NM_001190836.2); c.2177T>C, p.Ile726Thr (NM_001190837.2); c.2147T>C, p.Ile716Thr (NM_001378991.1); c.2129T>C, p.Ile710Thr (NM_001378992.1); short protein forms I599T, I726T, I696T, I710T, I733T, I713T, I716T.
Identifiers: ClinVar variation 5000912 (VCV005000912.1).